The following is an entry in ClinVar:

NM_004304.5(ALK):c.4298A>G (p.Glu1433Gly)

Gene: ALK (ALK receptor tyrosine kinase; minus strand). Cytogenetic location: 2p23.2.
Variant type: single nucleotide variant.
Coding change: c.4298A>G on transcript NM_004304.5 (MANE Select); coding-DNA position 4298, A replaced by G.
Protein change: p.Glu1433Gly; replaces glutamic acid 1433 with glycine.
Molecular consequence: missense variant.
Genome position (GRCh38, 1-based): chr2:29,193,789, T>C on the plus strand (A>G on the coding strand, the complement: ALK is on the minus strand). VCF-style: chr2-29193789-T-C. GRCh37 (hg19) VCF-style: chr2-29416655-T-C.
Other names: c.1094A>G, p.Glu365Gly (NM_001353765.2); short protein forms E1433G, E365G.
Identifiers: ClinVar variation 1378283 (VCV001378283.10), dbSNP rs1668950412, ClinGen allele CA346462737.

ClinVar aggregate classification (germline): Conflicting classifications of pathogenicity. Review status: criteria provided, conflicting classifications (1 of 4 stars). 2 submissions from 2 submitters: Uncertain significance (1); Likely benign (1). Last evaluated 2022-05-07.

Conditions:
Neuroblastoma, susceptibility to, 3. Also called: ALK-Related Neuroblastic Tumor Susceptibility. Identifiers: Orphanet 635, MedGen C2751681, MONDO:0013083, OMIM 613014.
Hereditary cancer-predisposing syndrome. Also called: Tumor predisposition; Hereditary neoplastic syndrome; Neoplastic Syndromes, Hereditary; Hereditary Cancer Syndrome. Identifiers: Orphanet 140162, MedGen C0027672, MeSH D009386, MONDO:0015356.

Allele frequency attached by ClinVar (database versions not stated): gnomAD exomes below 0.00001.
gnomAD v4.1: 3 of 1,594,956 alleles (0.00019%); highest among the groups gnomAD compares: Non-Finnish European, 0.00026%; no homozygotes.

Submissions (2):

Ambry Genetics
Classification: Likely benign for Hereditary cancer-predisposing syndrome. Last evaluated: 2022-05-07. Review status: criteria provided, single submitter. Criteria: Ambry Variant Classification Scheme 2023. Collection method: clinical testing. Allele origin: germline.

Labcorp Genetics (formerly Invitae), Labcorp
Classification: Uncertain significance for Neuroblastoma, susceptibility to, 3. Last evaluated: 2022-04-22. Review status: criteria provided, single submitter. Criteria: Invitae Variant Classification Sherloc (09022015). Collection method: clinical testing. Allele origin: germline.
Comment: This sequence change replaces glutamic acid, which is acidic and polar, with glycine, which is neutral and non-polar, at codon 1433 of the ALK protein (p.Glu1433Gly). This variant is not present in population databases (gnomAD no frequency). This variant has not been reported in the literature in individuals affected with ALK-related conditions. Algorithms developed to predict the effect of missense changes on protein structure and function output the following: SIFT: "Tolerated"; PolyPhen-2: "Benign"; Align-GVGD: "Class C0". The glycine amino acid residue is found in multiple mammalian species, which suggests that this missense change does not adversely affect protein function. In summary, the available evidence is currently insufficient to determine the role of this variant in disease. Therefore, it has been classified as a Variant of Uncertain Significance.